The following is an entry in ClinVar:

NM_004655.4(AXIN2):c.2066C>G (p.Thr689Ser)

Gene: AXIN2 (axin 2; minus strand). Cytogenetic location: 17q24.1.
Variant type: single nucleotide variant.
Coding change: c.2066C>G on transcript NM_004655.4 (MANE Select); coding-DNA position 2066, C replaced by G.
Protein change: p.Thr689Ser; replaces threonine 689 with serine.
Molecular consequence: missense variant.
Genome position (GRCh38, 1-based): chr17:65,536,395, G>C on the plus strand (C>G on the coding strand, the complement: AXIN2 is on the minus strand). VCF-style: chr17-65536395-G-C. GRCh37 (hg19) VCF-style: chr17-63532513-G-C.
Other names: c.2066C>G (LRG_296t1); c.1871C>G, p.Thr624Ser (NM_001363813.1); short protein forms T689S, T624S.
Identifiers: ClinVar variation 581811 (VCV000581811.12), dbSNP rs367725839, ClinGen allele CA8718419.

ClinVar aggregate classification (germline): Conflicting classifications of pathogenicity. Review status: criteria provided, conflicting classifications (1 of 4 stars). 3 submissions from 3 submitters: Uncertain significance (2); Likely benign (1). Last evaluated 2025-12-24.

Conditions:
Hereditary cancer-predisposing syndrome. Also called: Neoplastic Syndromes, Hereditary; Hereditary Cancer Syndrome; Tumor predisposition; Hereditary neoplastic syndrome. Identifiers: Orphanet 140162, MedGen C0027672, MeSH D009386, MONDO:0015356.
Oligodontia-cancer predisposition syndrome. Also called: TOOTH AGENESIS-COLORECTAL CANCER SYNDROME. Identifiers: Orphanet 300576, MedGen C1837750, MONDO:0012075, OMIM 608615. Disease mechanism: loss of function.

Allele frequency attached by ClinVar (database versions not stated): ExAC 0.00001; gnomAD exomes 0.00001; ESP Exome Variant Server 0.00008.
gnomAD v4.1: 9 of 1,613,820 alleles (0.00056%); highest among the groups gnomAD compares: South Asian, 0.0011%; no homozygotes.

Submissions (3):

Labcorp Genetics (formerly Invitae), Labcorp
Classification: Uncertain significance for Oligodontia-cancer predisposition syndrome. Last evaluated: 2025-12-24. Review status: criteria provided, single submitter. Criteria: Invitae Variant Classification Sherloc (09022015). Collection method: clinical testing. Allele origin: germline.
Comment: This sequence change replaces threonine, which is neutral and polar, with serine, which is neutral and polar, at codon 689 of the AXIN2 protein (p.Thr689Ser). This variant is present in population databases (rs367725839, gnomAD 0.002%). This variant has not been reported in the literature in individuals affected with AXIN2-related conditions. ClinVar contains an entry for this variant (Variation ID: 581811). Invitae Evidence Modeling of protein sequence and biophysical properties (such as structural, functional, and spatial information, amino acid conservation, physicochemical variation, residue mobility, and thermodynamic stability) indicates that this missense variant is not expected to disrupt AXIN2 protein function with a negative predictive value of 80%. In summary, the available evidence is currently insufficient to determine the role of this variant in disease. Therefore, it has been classified as a Variant of Uncertain Significance.

GeneDx
Classification: Uncertain significance. Last evaluated: 2024-04-04. Review status: criteria provided, single submitter. Criteria: GeneDx Variant Classification Process June 2021. Collection method: clinical testing. Allele origin: germline. Affected: yes.
Comment: Not observed at significant frequency in large population cohorts (gnomAD); In silico analysis supports that this missense variant does not alter protein structure/function; Has not been previously published as pathogenic or benign to our knowledge; This variant is associated with the following publications: (PMID: 15735151)

Ambry Genetics
Classification: Likely benign for Hereditary cancer-predisposing syndrome. Last evaluated: 2024-02-27. Review status: criteria provided, single submitter. Criteria: Ambry Variant Classification Scheme 2023. Collection method: clinical testing. Allele origin: germline.